The following is an entry in ClinVar:

NM_032444.4(SLX4):c.1018G>A (p.Gly340Arg)

Gene: SLX4 (SLX4 structure-specific endonuclease subunit; minus strand). Cytogenetic location: 16p13.3.
Variant type: single nucleotide variant.
Coding change: c.1018G>A on transcript NM_032444.4 (MANE Select); coding-DNA position 1018, G replaced by A.
Protein change: p.Gly340Arg; replaces glycine 340 with arginine.
Molecular consequence: missense variant.
Genome position (GRCh38, 1-based): chr16:3,601,124, C>T on the plus strand (G>A on the coding strand, the complement: SLX4 is on the minus strand). VCF-style: chr16-3601124-C-T. GRCh37 (hg19) VCF-style: chr16-3651125-C-T.
Other names: short protein forms G340R.
Identifiers: ClinVar variation 2063029 (VCV002063029.4), dbSNP rs2151134136, ClinGen allele CA394531831.

ClinVar aggregate classification (germline): Uncertain significance (1 of 4 stars; one submission).

Conditions:
Fanconi anemia (FA). Also called: Fanconi's anemia. Identifiers: Orphanet 84, MedGen C0015625, MeSH D005199, MONDO:0019391.

Submission:

Labcorp Genetics (formerly Invitae), Labcorp
Classification: Uncertain significance for Fanconi anemia. Last evaluated: 2022-04-10. Review status: criteria provided, single submitter. Criteria: Invitae Variant Classification Sherloc (09022015). Collection method: clinical testing. Allele origin: germline.
Comment: In summary, the available evidence is currently insufficient to determine the role of this variant in disease. Therefore, it has been classified as a Variant of Uncertain Significance. Algorithms developed to predict the effect of missense changes on protein structure and function are either unavailable or do not agree on the potential impact of this missense change (SIFT: "Deleterious"; PolyPhen-2: "Probably Damaging"; Align-GVGD: "Class C0"). This variant has not been reported in the literature in individuals affected with SLX4-related conditions. This variant is not present in population databases (gnomAD no frequency). This sequence change replaces glycine, which is neutral and non-polar, with arginine, which is basic and polar, at codon 340 of the SLX4 protein (p.Gly340Arg).